The following is an entry in ClinVar:

NM_000548.5(TSC2):c.5372G>C (p.Gly1791Ala)

Gene: TSC2 (TSC complex subunit 2; plus strand). Cytogenetic location: 16p13.3.
Variant type: single nucleotide variant.
Coding change: c.5372G>C on transcript NM_000548.5 (MANE Select); coding-DNA position 5372, G replaced by C.
Protein change: p.Gly1791Ala; replaces glycine 1791 with alanine.
Molecular consequence: missense variant.
Genome position (GRCh38, 1-based): chr16:2,088,558, G>C. VCF-style: chr16-2088558-G-C. GRCh37 (hg19) VCF-style: chr16-2138559-G-C.
Other names: c.5171G>C, p.Gly1724Ala (NM_001077183.3); c.5303G>C, p.Gly1768Ala (NM_001114382.3); c.5063G>C, p.Gly1688Ala (NM_001318827.2); c.5027G>C, p.Gly1676Ala (NM_001318829.2); c.4640G>C, p.Gly1547Ala (NM_001318831.2); c.5204G>C, p.Gly1735Ala (NM_001318832.2); c.5174G>C, p.Gly1725Ala (NM_001363528.2); c.5240G>C, p.Gly1747Ala (NM_001370404.1); and 2 more; short protein forms G1547A, G1676A, G1724A, G1735A, G1791A, G1688A, G1725A, G1747A.
Identifiers: ClinVar variation 1461231 (VCV001461231.6), dbSNP rs2091211512, ClinGen allele CA394315946.

ClinVar aggregate classification (germline): Uncertain significance (1 of 4 stars; one submission).

Conditions:
Tuberous sclerosis 2 (TSC2). Identifiers: Orphanet 805, MedGen C1860707, MONDO:0013199, OMIM 613254.

Submission:

Labcorp Genetics (formerly Invitae), Labcorp
Classification: Uncertain significance for Tuberous sclerosis 2. Last evaluated: 2021-08-03. Review status: criteria provided, single submitter. Criteria: Invitae Variant Classification Sherloc (09022015). Collection method: clinical testing. Allele origin: germline.
Comment: In summary, the available evidence is currently insufficient to determine the role of this variant in disease. Therefore, it has been classified as a Variant of Uncertain Significance. Advanced modeling of protein sequence and biophysical properties (such as structural, functional, and spatial information, amino acid conservation, physicochemical variation, residue mobility, and thermodynamic stability) performed at Invitae indicates that this missense variant is not expected to disrupt TSC2 protein function. This variant has not been reported in the literature in individuals affected with TSC2-related conditions. This variant is not present in population databases (ExAC no frequency). This sequence change replaces glycine with alanine at codon 1791 of the TSC2 protein (p.Gly1791Ala). The glycine residue is highly conserved and there is a small physicochemical difference between glycine and alanine.